The following is an entry in ClinVar:

ClinVar aggregate classification (germline): Benign/Likely benign. Review status: criteria provided, multiple submitters, no conflicts (2 of 4 stars). 3 submissions from 3 submitters: Benign (1); Likely benign (2). Last evaluated 2018-06-29.

Conditions:
Disorders of Intracellular Cobalamin Metabolism. Identifiers: MedGen CN043592.

Allele frequency attached by ClinVar (database versions not stated): 1000 Genomes Project 30x 0.00390; 1000 Genomes Project 0.00459; TOPMed 0.00919; gnomAD 0.01021 and 0.01048; gnomAD exomes 0.01434.
gnomAD v4.1: 10,618 of 787,866 alleles (1.3%); highest among the groups gnomAD compares: Non-Finnish European, 1.8%; 107 homozygotes.

Submissions (3):

GeneDx
Classification: Likely benign. Last evaluated: 2018-06-29. Review status: criteria provided, single submitter. Criteria: GeneDx Variant Classification Process June 2021. Collection method: clinical testing. Allele origin: germline. Affected: yes.

Illumina Laboratory Services, Illumina
Classification: Benign for Disorders of Intracellular Cobalamin Metabolism. Last evaluated: 2018-01-13. Review status: criteria provided, single submitter. Criteria: ICSL Variant Classification Criteria 13 December 2019. Collection method: clinical testing. Allele origin: germline.
Comment: This variant was observed in the ICSL laboratory as part of a predisposition screen in an ostensibly healthy population. It had not been previously curated by ICSL or reported in the Human Gene Mutation Database (HGMD: prior to June 1st, 2018), and was therefore a candidate for classification through an automated scoring system. Utilizing variant allele frequency, disease prevalence and penetrance estimates, and inheritance mode, an automated score was calculated to assess if this variant is too frequent to cause the disease. Based on the score and internal cut-off values, a variant classified as benign is not then subjected to further curation. The score for this variant resulted in a classification of benign for this disease.

Breakthrough Genomics
Classification: Likely benign. Review status: criteria provided, single submitter. Criteria: ACMG Guidelines, 2015. Collection method: not provided. Allele origin: germline. Inheritance: Autosomal recessive inheritance. Affected: yes.

NM_002454.3(MTRR):c.*167A>G

Gene: MTRR (5-methyltetrahydrofolate-homocysteine methyltransferase reductase; plus strand). Cytogenetic location: 5p15.31.
Variant type: single nucleotide variant.
Coding change: c.*167A>G on transcript NM_002454.3 (MANE Select); 167 bases downstream of the stop codon, A replaced by G.
Molecular consequence: 3 prime UTR variant. On other transcripts: non-coding transcript variant (14).
Genome position (GRCh38, 1-based): chr5:7,900,225, A>G. VCF-style: chr5-7900225-A-G. GRCh37 (hg19) VCF-style: chr5-7900338-A-G.
Other names: c.*167A>G (NM_001364440.2, NM_001364441.2, NM_001364442.2 and 1 more transcripts).
Identifiers: ClinVar variation 354366 (VCV000354366.9), dbSNP rs115253331, ClinGen allele CA10625274.
Genomic context (GRCh38, chr5:7,900,225, plus strand): 5'-CATTTCTTGAAGGACATGGAGTGGAGATTGGATCATTTAACAATATAACAAAACTTCCTG[A>G]TTTGATTTTACGTATCTTCTATCTACGCCCTTCCTGTGCCTGTGACTCTCCCCAAATTGC-3'